The following is an entry in ClinVar:

ClinVar aggregate classification (germline): Uncertain significance (1 of 4 stars; one submission).

Submission:

Labcorp Genetics (formerly Invitae), Labcorp
Classification: Uncertain significance. Last evaluated: 2022-02-10. Review status: criteria provided, single submitter. Criteria: Invitae Variant Classification Sherloc (09022015). Collection method: clinical testing. Allele origin: germline.
Comment: Algorithms developed to predict the effect of missense changes on protein structure and function (SIFT, PolyPhen-2, Align-GVGD) all suggest that this variant is likely to be tolerated. In summary, the available evidence is currently insufficient to determine the role of this variant in disease. Therefore, it has been classified as a Variant of Uncertain Significance. This variant has not been reported in the literature in individuals affected with MSN-related conditions. This variant is not present in population databases (gnomAD no frequency). This sequence change replaces alanine, which is neutral and non-polar, with serine, which is neutral and polar, at codon 546 of the MSN protein (p.Ala546Ser).

NM_002444.3(MSN):c.1636G>T (p.Ala546Ser)

Gene: MSN (moesin; plus strand). Cytogenetic location: Xq12.
Variant type: single nucleotide variant.
Coding change: c.1636G>T on transcript NM_002444.3 (MANE Select); coding-DNA position 1636, G replaced by T.
Protein change: p.Ala546Ser; replaces alanine 546 with serine.
Molecular consequence: missense variant.
Genome position (GRCh38, 1-based): chrX:65,739,795, G>T. VCF-style: chrX-65739795-G-T. GRCh37 (hg19) VCF-style: chrX-64959657-G-T.
Other names: short protein forms A546S.
Identifiers: ClinVar variation 1349901 (VCV001349901.6), dbSNP rs2147521312, ClinGen allele CA413414733.
Genomic context (GRCh38, chrX:65,739,795, plus strand): 5'-ACTTCGGAGCTGGCCAATGCCAGAGATGAGTCCAAGAAGACTGCCAATGACATGATCCAT[G>T]CTGAGAACATGCGACTGGGCCGAGACAAATACAAGACCCTGCGCCAGATCCGGCAGGGCA-3'
Protein context (NP_002435.1, residues 536-556): SKKTANDMIH[Ala546Ser]ENMRLGRDKY